The following is an entry in ClinVar:

NM_001848.3(COL6A1):c.2965G>A (p.Gly989Ser)

Gene: COL6A1 (collagen type VI alpha 1 chain; plus strand). Cytogenetic location: 21q22.3.
Variant type: single nucleotide variant.
Coding change: c.2965G>A on transcript NM_001848.3 (MANE Select); coding-DNA position 2965, G replaced by A.
Protein change: p.Gly989Ser; replaces glycine 989 with serine.
Molecular consequence: missense variant.
Genome position (GRCh38, 1-based): chr21:46,003,891, G>A. VCF-style: chr21-46003891-G-A. GRCh37 (hg19) VCF-style: chr21-47423805-G-A.
Other names: short protein forms G989S.
Identifiers: ClinVar variation 934541 (VCV000934541.9), dbSNP rs138652066, ClinGen allele CA10071089.
Genomic context (GRCh38, chr21:46,003,891, plus strand): 5'-ATCTTCGTGGTGGTCGTGGGCCGCCAGGTGAATGAGCCCCACATCCGCGTCCTGGTCACC[G>A]GCAAGACGGCCGAGTACGACGTGGCCTACGGCGAGAGCCACCTGTTCCGTGTCCCCAGCT-3'
Protein context (NP_001839.2, residues 979-999): NEPHIRVLVT[Gly989Ser]KTAEYDVAYG

ClinVar aggregate classification (germline): Conflicting classifications of pathogenicity. Review status: criteria provided, conflicting classifications (1 of 4 stars). 2 submissions from 2 submitters: Uncertain significance (1); Benign (1). Last evaluated 2026-01-27.

Conditions:
Bethlem myopathy 1A. Also called: Bethlem Muscular Dystrophy; MYOPATHY, BENIGN CONGENITAL, WITH CONTRACTURES; Bethlem myopathy 1. Identifiers: Orphanet 610, MedGen CN029274, MONDO:0024530, OMIM 158810.

Allele frequency attached by ClinVar (database versions not stated): TOPMed 0.00002; ExAC 0.00003; ESP Exome Variant Server 0.00008.
gnomAD v4.1: 43 of 1,601,652 alleles (0.0027%); highest among the groups gnomAD compares: Admixed American, 0.0034%; no homozygotes.

Submissions (2):

Labcorp Genetics (formerly Invitae), Labcorp
Classification: Benign for Bethlem myopathy 1A. Last evaluated: 2026-01-27. Review status: criteria provided, single submitter. Criteria: Invitae Variant Classification Sherloc (09022015). Collection method: clinical testing. Allele origin: germline.

GeneDx
Classification: Uncertain significance. Last evaluated: 2023-08-25. Review status: criteria provided, single submitter. Criteria: GeneDx Variant Classification Process June 2021. Collection method: clinical testing. Allele origin: germline. Affected: yes.
Comment: In silico analysis supports that this missense variant has a deleterious effect on protein structure/function; This variant is associated with the following publications: (PMID: 32154576, 27447704)